The following is an entry in ClinVar:

NM_022455.5(NSD1):c.2742G>T (p.Leu914Phe)

Gene: NSD1 (nuclear receptor binding SET domain protein 1; plus strand). Cytogenetic location: 5q35.3.
Variant type: single nucleotide variant.
Coding change: c.2742G>T on transcript NM_022455.5 (MANE Select); coding-DNA position 2742, G replaced by T.
Protein change: p.Leu914Phe; replaces leucine 914 with phenylalanine.
Molecular consequence: missense variant.
Genome position (GRCh38, 1-based): chr5:177,211,141, G>T. VCF-style: chr5-177211141-G-T. GRCh37 (hg19) VCF-style: chr5-176638142-G-T.
Other names: c.1869G>T, p.Leu623Phe (NM_001365684.2, NM_001409306.1, NM_001409307.1 and 3 more transcripts); c.2742G>T, p.Leu914Phe (NM_001409301.1, NM_001409302.1, NM_001409303.1); c.2322G>T, p.Leu774Phe (NM_001409304.1); c.1989G>T, p.Leu663Phe (NM_001409305.1); short protein forms L623F, L914F, L663F, L774F, L645F.
Identifiers: ClinVar variation 2053618 (VCV002053618.4), dbSNP rs2480457625, ClinGen allele CA362319983.

ClinVar aggregate classification (germline): Uncertain significance (1 of 4 stars; one submission).

Submission:

Labcorp Genetics (formerly Invitae), Labcorp
Classification: Uncertain significance. Last evaluated: 2021-12-22. Review status: criteria provided, single submitter. Criteria: Invitae Variant Classification Sherloc (09022015). Collection method: clinical testing. Allele origin: germline.
Comment: In summary, the available evidence is currently insufficient to determine the role of this variant in disease. Therefore, it has been classified as a Variant of Uncertain Significance. Advanced modeling of protein sequence and biophysical properties (such as structural, functional, and spatial information, amino acid conservation, physicochemical variation, residue mobility, and thermodynamic stability) performed at Invitae indicates that this missense variant is not expected to disrupt NSD1 protein function. This variant has not been reported in the literature in individuals affected with NSD1-related conditions. This variant is not present in population databases (gnomAD no frequency). This sequence change replaces leucine, which is neutral and non-polar, with phenylalanine, which is neutral and non-polar, at codon 914 of the NSD1 protein (p.Leu914Phe).